The following is an entry in ClinVar:

ClinVar aggregate classification (germline): Uncertain significance (1 of 4 stars; one submission).

Submission:

GeneDx
Classification: Uncertain significance. Last evaluated: 2025-05-13. Review status: criteria provided, single submitter. Criteria: GeneDx Variant Classification Process June 2021. Collection method: clinical testing. Allele origin: germline. Affected: yes.
Comment: Not observed at significant frequency in large population cohorts (gnomAD); In silico analysis suggests that this missense variant does not alter protein structure/function; Has not been previously published as pathogenic or benign to our knowledge

NM_031443.4(CCM2):c.517A>C (p.Ser173Arg)

Gene: CCM2 (CCM2 scaffold protein; plus strand). Cytogenetic location: 7p13.
Variant type: single nucleotide variant.
Coding change: c.517A>C on transcript NM_031443.4 (MANE Select); coding-DNA position 517, A replaced by C.
Protein change: p.Ser173Arg; replaces serine 173 with arginine.
Molecular consequence: missense variant. On other transcripts: non-coding transcript variant (1), intron variant (1).
Genome position (GRCh38, 1-based): chr7:45,068,487, A>C. VCF-style: chr7-45068487-A-C. GRCh37 (hg19) VCF-style: chr7-45108086-A-C.
Other names: c.580A>C, p.Ser194Arg (NM_001029835.2); c.343A>C, p.Ser115Arg (NM_001167934.2, NM_001363459.2); c.517A>C, p.Ser173Arg (NM_001363458.2); c.472+3841A>C (NM_001167935.2); short protein forms S115R, S173R, S194R.
Identifiers: ClinVar variation 4529936 (VCV004529936.1).